The following is an entry in ClinVar:

NM_014915.3(ANKRD26):c.2475A>T (p.Lys825Asn)

Gene: ANKRD26 (ankyrin repeat domain containing 26; minus strand). Cytogenetic location: 10p12.1.
Variant type: single nucleotide variant.
Coding change: c.2475A>T on transcript NM_014915.3 (MANE Select); coding-DNA position 2475, A replaced by T.
Protein change: p.Lys825Asn; replaces lysine 825 with asparagine.
Molecular consequence: missense variant.
Genome position (GRCh38, 1-based): chr10:27,037,955, T>A on the plus strand (A>T on the coding strand, the complement: ANKRD26 is on the minus strand). VCF-style: chr10-27037955-T-A. GRCh37 (hg19) VCF-style: chr10-27326884-T-A.
Other names: c.2472A>T, p.Lys824Asn (NM_001256053.2); short protein forms K824N, K825N.
Identifiers: ClinVar variation 1313884 (VCV001313884.2), dbSNP rs2135220276, ClinGen allele CA376366672.

ClinVar aggregate classification (germline): Uncertain significance (1 of 4 stars; one submission).

Submission:

GeneDx
Classification: Uncertain significance. Last evaluated: 2021-01-14. Review status: criteria provided, single submitter. Criteria: GeneDx Variant Classification Process June 2021. Collection method: clinical testing. Allele origin: germline. Affected: yes.
Comment: Not observed in large population cohorts (Lek et al., 2016); In silico analysis supports that this missense variant has a deleterious effect on protein structure/function; Has not been previously published as pathogenic or benign to our knowledge